The following is an entry in ClinVar:

NM_020778.5(ALPK3):c.959A>G (p.Asp320Gly)

Gene: ALPK3 (alpha kinase 3; plus strand). Cytogenetic location: 15q25.3.
Variant type: single nucleotide variant.
Coding change: c.959A>G on transcript NM_020778.5 (MANE Select); coding-DNA position 959, A replaced by G.
Protein change: p.Asp320Gly; replaces aspartic acid 320 with glycine.
Molecular consequence: missense variant.
Genome position (GRCh38, 1-based): chr15:84,840,238, A>G. VCF-style: chr15-84840238-A-G. GRCh37 (hg19) VCF-style: chr15-85383469-A-G.
Other names: short protein forms D320G.
Identifiers: ClinVar variation 2858266 (VCV002858266.3), dbSNP rs2505705756, ClinGen allele CA393373890.

ClinVar aggregate classification (germline): Uncertain significance (1 of 4 stars; one submission).

Submission:

Labcorp Genetics (formerly Invitae), Labcorp
Classification: Uncertain significance. Last evaluated: 2023-05-04. Review status: criteria provided, single submitter. Criteria: Invitae Variant Classification Sherloc (09022015). Collection method: clinical testing. Allele origin: germline.
Comment: This variant is not present in population databases (gnomAD no frequency). This sequence change replaces aspartic acid, which is acidic and polar, with glycine, which is neutral and non-polar, at codon 522 of the ALPK3 protein (p.Asp522Gly). This variant has not been reported in the literature in individuals affected with ALPK3-related conditions. In summary, the available evidence is currently insufficient to determine the role of this variant in disease. Therefore, it has been classified as a Variant of Uncertain Significance. Algorithms developed to predict the effect of sequence changes on RNA splicing suggest that this variant may create or strengthen a splice site. An algorithm developed to predict the effect of missense changes on protein structure and function (PolyPhen-2) suggests that this variant is likely to be tolerated.